The following is an entry in ClinVar:

ClinVar aggregate classification (germline): Uncertain significance (1 of 4 stars; one submission).

Allele frequency attached by ClinVar (database versions not stated): gnomAD exomes below 0.00001.
gnomAD v4.1: 1 of 1,613,710 alleles (0.000062%); highest among the groups gnomAD compares: Non-Finnish European, 0.000085%; no homozygotes.

Submission:

Labcorp Genetics (formerly Invitae), Labcorp
Classification: Uncertain significance. Last evaluated: 2023-03-23. Review status: criteria provided, single submitter. Criteria: Invitae Variant Classification Sherloc (09022015). Collection method: clinical testing. Allele origin: germline.
Comment: This sequence change replaces threonine, which is neutral and polar, with alanine, which is neutral and non-polar, at codon 333 of the CTR9 protein (p.Thr333Ala). This variant is not present in population databases (gnomAD no frequency). This variant has not been reported in the literature in individuals affected with CTR9-related conditions. An algorithm developed to predict the effect of missense changes on protein structure and function (PolyPhen-2) suggests that this variant is likely to be disruptive. In summary, the available evidence is currently insufficient to determine the role of this variant in disease. Therefore, it has been classified as a Variant of Uncertain Significance.

NM_014633.5(CTR9):c.997A>G (p.Thr333Ala)

Gene: CTR9 (CTR9 component of Paf1/RNA polymerase II complex; plus strand). Cytogenetic location: 11p15.4.
Variant type: single nucleotide variant.
Coding change: c.997A>G on transcript NM_014633.5 (MANE Select); coding-DNA position 997, A replaced by G.
Protein change: p.Thr333Ala; replaces threonine 333 with alanine.
Molecular consequence: missense variant.
Genome position (GRCh38, 1-based): chr11:10,763,682, A>G. VCF-style: chr11-10763682-A-G. GRCh37 (hg19) VCF-style: chr11-10785229-A-G.
Other names: c.997A>G, p.Thr333Ala (NM_001346279.2); short protein forms T333A.
Identifiers: ClinVar variation 2846458 (VCV002846458.3), dbSNP rs2539379362, ClinGen allele CA379664444.